The following is an entry in ClinVar:

NM_005422.4(TECTA):c.6136G>A (p.Asp2046Asn)

Genes: TBCEL-TECTA (TBCEL-TECTA readthrough; plus strand), TECTA (tectorin alpha; plus strand). Cytogenetic location: 11q23.3.
Variant type: single nucleotide variant.
Coding change: c.6136G>A on transcript NM_005422.4 (MANE Select); coding-DNA position 6136, G replaced by A.
Protein change: p.Asp2046Asn; replaces aspartic acid 2046 with asparagine.
Molecular consequence: missense variant.
Genome position (GRCh38, 1-based): chr11:121,187,968, G>A. VCF-style: chr11-121187968-G-A. GRCh37 (hg19) VCF-style: chr11-121058677-G-A.
Other names: c.7078G>A, p.Asp2360Asn (NM_001378761.1); short protein forms D2046N, D2360N.
Identifiers: ClinVar variation 303044 (VCV000303044.12), dbSNP rs769561057, ClinGen allele CA6327888.

ClinVar aggregate classification (germline): Conflicting classifications of pathogenicity. Review status: criteria provided, conflicting classifications (1 of 4 stars). 4 submissions from 3 submitters: Uncertain significance (3); Likely benign (1). Last evaluated 2026-01-19.

Conditions:
Autosomal recessive nonsyndromic hearing loss 21. Identifiers: Orphanet 90636, MedGen C1863655, MONDO:0011351, OMIM 603629.
Autosomal dominant nonsyndromic hearing loss 12. Also called: DEAFNESS, AUTOSOMAL DOMINANT 8. Identifiers: Orphanet 90635, MedGen C1832187, MONDO:0011102, OMIM 601543.

Allele frequency attached by ClinVar (database versions not stated): ExAC 0.00007; gnomAD exomes 0.00008 and 0.00010; gnomAD 0.00013 and 0.00014; TOPMed 0.00017.
gnomAD v4.1: 148 of 1,614,018 alleles (0.0092%); highest among the groups gnomAD compares: Middle Eastern, 0.033%; no homozygotes.

Submissions (4):

Labcorp Genetics (formerly Invitae), Labcorp
Classification: Likely benign. Last evaluated: 2026-01-19. Review status: criteria provided, single submitter. Criteria: Invitae Variant Classification Sherloc (09022015). Collection method: clinical testing. Allele origin: germline.

GeneDx
Classification: Uncertain significance. Last evaluated: 2021-02-20. Review status: criteria provided, single submitter. Criteria: GeneDx Variant Classification Process June 2021. Collection method: clinical testing. Allele origin: germline. Affected: yes.
Comment: In silico analysis supports that this missense variant does not alter protein structure/function; Has not been previously published as pathogenic or benign to our knowledge

Illumina Laboratory Services, Illumina
Classification: Uncertain significance for Autosomal dominant nonsyndromic hearing loss 12. Last evaluated: 2018-01-13. Review status: criteria provided, single submitter. Criteria: ICSL Variant Classification Criteria 13 December 2019. Collection method: clinical testing. Allele origin: germline.

Illumina Laboratory Services, Illumina
Classification: Uncertain significance for Autosomal recessive nonsyndromic hearing loss 21. Last evaluated: 2018-01-13. Review status: criteria provided, single submitter. Criteria: ICSL Variant Classification Criteria 13 December 2019. Collection method: clinical testing. Allele origin: germline.